The following is an entry in ClinVar:

ClinVar aggregate classification (germline): Pathogenic/Likely pathogenic. Review status: criteria provided, multiple submitters, no conflicts (2 of 4 stars). 12 submissions from 12 submitters: Pathogenic (6); Likely pathogenic (4). 2 of the submissions do not count toward it. Last evaluated 2025-07-31.

Conditions:
Charcot-Marie-Tooth disease. Also called: Charcot-Marie-Tooth Neuropathy; Charcot-Marie-Tooth Hereditary Neuropathy. Identifiers: Orphanet 166, MedGen C0007959, MONDO:0015626.
Charcot-Marie-Tooth disease dominant intermediate E. Also called: CHARCOT-MARIE-TOOTH NEUROPATHY WITH FOCAL SEGMENTAL GLOMERULONEPHRITIS. Identifiers: Orphanet 93114, MedGen C4302667, MONDO:0013758, OMIM 614455.
Focal segmental glomerulosclerosis 5 (FSGS5). Identifiers: Orphanet 656, MedGen C2750475, MONDO:0013191, OMIM 613237.
INF2-related disorder. Also called: INF2-related condition.
Hypertensive disorder. Also called: Hypertension. Identifiers: MedGen C0020538, MONDO:0005044, HP:0000822.
Focal segmental glomerulosclerosis (FSGS). Also called: Glomerulosclerosis, focal; Focal sclerosis with hyalinosis. Identifiers: MedGen C0017668, MONDO:0100313, HP:0000097. Disease mechanism: loss of function.
Proteinuria. Identifiers: MedGen C0033687, MONDO:0003634, HP:0000093.
Renal insufficiency. Also called: renal impairment; Renal failure. Identifiers: MedGen C1565489, HP:0000083.

gnomAD v4.1: 1 of 1,612,070 alleles (0.000062%); highest among the groups gnomAD compares: Non-Finnish European, 0.000085%; no homozygotes.

Submissions (12):

Labcorp Genetics (formerly Invitae), Labcorp
Classification: Pathogenic for Charcot-Marie-Tooth disease dominant intermediate E; Focal segmental glomerulosclerosis 5. Last evaluated: 2025-07-31. Review status: criteria provided, single submitter. Criteria: Invitae Variant Classification Sherloc (09022015). Collection method: clinical testing. Allele origin: germline.
Comment: This sequence change replaces glutamic acid, which is acidic and polar, with lysine, which is basic and polar, at codon 220 of the INF2 protein (p.Glu220Lys). This variant is not present in population databases (gnomAD no frequency). This missense change has been observed in individuals with dominant focal segmental glomerulosclerosis (PMID: 20023659, 21258034, 23515051). It has also been observed to segregate with disease in related individuals. ClinVar contains an entry for this variant (Variation ID: 523533). Invitae Evidence Modeling of protein sequence and biophysical properties (such as structural, functional, and spatial information, amino acid conservation, physicochemical variation, residue mobility, and thermodynamic stability) indicates that this missense variant is expected to disrupt INF2 protein function with a positive predictive value of 95%. For these reasons, this variant has been classified as Pathogenic.

GeneDx
Classification: Pathogenic. Last evaluated: 2023-08-31. Review status: criteria provided, single submitter. Criteria: GeneDx Variant Classification Process June 2021. Collection method: clinical testing. Allele origin: germline. Affected: yes.
Comment: In silico analysis supports that this missense variant has a deleterious effect on protein structure/function; Not observed at significant frequency in large population cohorts (gnomAD); This variant is associated with the following publications: (PMID: 32451589, 31937884, 37491439, 36506246, 35683636, 32604935, 25407002, 36176665, 21258034, 23014460, 20023659, 26534921, 25165188, 20803156, 30348286, 23515051, 22965130)

Blueprint Genetics
Classification: Pathogenic for INF2-related disorders. Last evaluated: 2022-11-24. Review status: criteria provided, single submitter. Criteria: ACMG Guidelines, 2015. Collection method: clinical testing. Allele origin: germline. Affected: yes. Observed: 1 variant allele.

Athena Diagnostics
Classification: Pathogenic. Last evaluated: 2022-06-17. Review status: criteria provided, single submitter. Criteria: Athena Diagnostics Criteria. Collection method: clinical testing. Allele origin: unknown.
Comment: This variant has been identified in multiple individuals with focal segmental glomerulosclerosis and segregates with disease in multiple families. This variant has not been reported in large, multi-ethnic general populations. Computational tools predict that this variant is damaging. The variant is located in a region that is considered important for protein function and/or structure.

Fulgent Genetics
Classification: Pathogenic for Focal segmental glomerulosclerosis 5; Charcot-Marie-Tooth disease dominant intermediate E. Last evaluated: 2022-05-23. Review status: criteria provided, single submitter. Criteria: ACMG Guidelines, 2015. Collection method: clinical testing. Allele origin: unknown.

Baylor Genetics
Classification: Pathogenic for Focal segmental glomerulosclerosis 5. Last evaluated: 2022-05-14. Review status: criteria provided, single submitter. Criteria: ACMG Guidelines, 2015. Collection method: clinical testing. Allele origin: unknown.

MGZ Medical Genetics Center
Classification: Likely pathogenic for Focal segmental glomerulosclerosis 5. Last evaluated: 2022-03-02. Review status: criteria provided, single submitter. Criteria: ACMG Guidelines, 2015. Collection method: clinical testing. Allele origin: germline. Affected: yes. Observed: 1 variant allele.
Comment: ACMG criteria applied: PS4_MOD, PM1, PM2_SUP, PP1, PP3

Institute of Human Genetics Munich, TUM University Hospital
Classification: Likely pathogenic for Charcot-Marie-Tooth disease dominant intermediate E. Last evaluated: 2021-09-08. Review status: criteria provided, single submitter. Criteria: Classification criteria August 2017. Collection method: clinical testing. Allele origin: germline. Inheritance: Autosomal dominant inheritance. Affected: yes. Observed: 1 variant allele.

Centre for Mendelian Genomics, University Medical Centre Ljubljana
Classification: Likely pathogenic for Focal segmental glomerulosclerosis; Hypertensive disorder; Proteinuria; Renal insufficiency. Last evaluated: 2017-01-01. Review status: criteria provided, single submitter. Criteria: ACMG Guidelines, 2015. Collection method: clinical testing. Allele origin: unknown. Affected: yes.

Neuberg Centre For Genomic Medicine, NCGM
Classification: Likely pathogenic for Focal segmental glomerulosclerosis 5. Review status: criteria provided, single submitter. Criteria: ACMG Guidelines, 2015. Collection method: clinical testing. Allele origin: germline. Inheritance: Autosomal dominant inheritance. Affected: yes.
Comment: Computational tools predict that this variant is damaging and it is located in a region that is considered important for protein function and/or structure. It has also been observed to segregate with disease in related individuals. However, there is no functional evidence to prove the pathogenicity of the variant. For these reasons, this variant has been classified as Likely Pathogenic.

Bioscientia Institut fuer Medizinische Diagnostik GmbH, Sonic Healthcare
Classification: Pathogenic for Focal segmental glomerulosclerosis 5. Last evaluated: 2018-09-14. Review status: no assertion criteria provided. Collection method: clinical testing. Allele origin: germline. Affected: yes. Not counted in ClinVar's aggregate classification.

Inherited Neuropathy Consortium
Classification: Uncertain significance for Charcot-Marie-Tooth disease. Review status: no assertion criteria provided. Collection method: literature only. Allele origin: germline. Affected: yes. Not counted in ClinVar's aggregate classification.

Literature cited by the submitters: PubMed 20023659 (cited by Labcorp Genetics (formerly Invitae), Labcorp and Athena Diagnostics); PubMed 21258034 (cited by Labcorp Genetics (formerly Invitae), Labcorp and Athena Diagnostics); PubMed 23515051 (cited by Labcorp Genetics (formerly Invitae), Labcorp and Athena Diagnostics); PubMed 23014460 (cited by Athena Diagnostics); PubMed 20803156 (cited by Athena Diagnostics); PubMed 27350175 (cited by Athena Diagnostics); PubMed 25165188 (cited by Athena Diagnostics and Inherited Neuropathy Consortium); PubMed 25407002 (cited by Athena Diagnostics); PubMed 31937884 (cited by Athena Diagnostics); PubMed 32604935 (cited by Athena Diagnostics).

NM_022489.4(INF2):c.658G>A (p.Glu220Lys)

Gene: INF2 (inverted formin 2; plus strand). Cytogenetic location: 14q32.33.
Variant type: single nucleotide variant.
Coding change: c.658G>A on transcript NM_022489.4 (MANE Select); coding-DNA position 658, G replaced by A.
Protein change: p.Glu220Lys; replaces glutamic acid 220 with lysine.
Molecular consequence: missense variant.
Genome position (GRCh38, 1-based): chr14:104,703,445, G>A. VCF-style: chr14-104703445-G-A. GRCh37 (hg19) VCF-style: chr14-105169782-G-A.
Other names: c.658G>A, p.Glu220Lys (NM_001031714.4, NM_032714.3); short protein forms E220K.
Identifiers: ClinVar variation 523533 (VCV000523533.17), dbSNP rs530391015, ClinGen allele CA391213465.